The following is an entry in ClinVar:

NM_022132.5(MCCC2):c.433T>G (p.Tyr145Asp)

Gene: MCCC2 (methylcrotonyl-CoA carboxylase subunit 2; plus strand). Cytogenetic location: 5q13.2.
Variant type: single nucleotide variant.
Coding change: c.433T>G on transcript NM_022132.5 (MANE Select); coding-DNA position 433, T replaced by G.
Protein change: p.Tyr145Asp; replaces tyrosine 145 with aspartic acid.
Molecular consequence: missense variant.
Genome position (GRCh38, 1-based): chr5:71,602,555, T>G. VCF-style: chr5-71602555-T-G. GRCh37 (hg19) VCF-style: chr5-70898382-T-G.
Other names: c.433T>G (NM_022132.4); c.433T>G, p.Tyr145Asp (NM_001363147.1); short protein forms Y145D.
Identifiers: ClinVar variation 1348391 (VCV001348391.10), dbSNP rs1745481314, ClinGen allele CA360010534.

ClinVar aggregate classification (germline): Uncertain significance. Review status: criteria provided, multiple submitters, no conflicts (2 of 4 stars). 3 submissions from 3 submitters: Uncertain significance (3). Last evaluated 2025-05-08.

Conditions:
Inborn genetic diseases. Identifiers: MedGen C0950123, MeSH D030342.
3-methylcrotonyl-CoA carboxylase 2 deficiency. Also called: METHYLCROTONYLGLYCINURIA, TYPE II; 3 alpha methylcrotonyl-CoA carboxylase 2 deficiency; 3 alpha methylcrotonylglycinuria 2; MCC 2 deficiency; Methylcrotonylglycinuria type 2. Identifiers: Orphanet 6, MedGen C1859499, MONDO:0008862, OMIM 210210.

Submissions (3):

Labcorp Genetics (formerly Invitae), Labcorp
Classification: Uncertain significance for 3-methylcrotonyl-CoA carboxylase 2 deficiency. Last evaluated: 2025-05-08. Review status: criteria provided, single submitter. Criteria: Invitae Variant Classification Sherloc (09022015). Collection method: clinical testing. Allele origin: germline.
Comment: This sequence change replaces tyrosine, which is neutral and polar, with aspartic acid, which is acidic and polar, at codon 145 of the MCCC2 protein (p.Tyr145Asp). This variant is not present in population databases (gnomAD no frequency). This variant has not been reported in the literature in individuals affected with MCCC2-related conditions. ClinVar contains an entry for this variant (Variation ID: 1348391). Invitae Evidence Modeling of protein sequence and biophysical properties (such as structural, functional, and spatial information, amino acid conservation, physicochemical variation, residue mobility, and thermodynamic stability) indicates that this missense variant is expected to disrupt MCCC2 protein function with a positive predictive value of 80%. In summary, the available evidence is currently insufficient to determine the role of this variant in disease. Therefore, it has been classified as a Variant of Uncertain Significance.

GeneDx
Classification: Uncertain significance. Last evaluated: 2025-05-02. Review status: criteria provided, single submitter. Criteria: GeneDx Variant Classification Process June 2021. Collection method: clinical testing. Allele origin: germline. Affected: yes.
Comment: Not observed at significant frequency in large population cohorts (gnomAD); In silico analysis supports that this missense variant has a deleterious effect on protein structure/function; Has not been previously published as pathogenic or benign to our knowledge

Ambry Genetics
Classification: Uncertain significance for Inborn genetic diseases. Last evaluated: 2024-05-31. Review status: criteria provided, single submitter. Criteria: Ambry Variant Classification Scheme 2023. Collection method: clinical testing. Allele origin: germline.